The following is an entry in ClinVar:

ClinVar aggregate classification (germline): Conflicting classifications of pathogenicity. Review status: criteria provided, conflicting classifications (1 of 4 stars). 4 submissions from 4 submitters: Uncertain significance (1); Likely benign (3). Last evaluated 2025-08-11.

Conditions:
Autosomal recessive distal spinal muscular atrophy 1. Also called: HMN VI; NEURONOPATHY, SEVERE INFANTILE AXONAL, WITH RESPIRATORY FAILURE; SEVERE INFANTILE AXONAL NEUROPATHY WITH RESPIRATORY FAILURE; SPINAL MUSCULAR ATROPHY, DIAPHRAGMATIC; NEURONOPATHY, DISTAL HEREDITARY MOTOR, HARDING TYPE VI; NEUROPATHY, DISTAL HEREDITARY MOTOR, AUTOSOMAL RECESSIVE 1. Identifiers: Orphanet 98920, MedGen C1858517, MONDO:0011436, OMIM 604320.
Charcot-Marie-Tooth disease axonal type 2S. Also called: CHARCOT-MARIE-TOOTH DISEASE, AXONAL, AUTOSOMAL RECESSIVE, TYPE 2S; CHARCOT-MARIE-TOOTH NEUROPATHY, TYPE 2S. Identifiers: Orphanet 443073, MedGen C4015349, MONDO:0014511, OMIM 616155.
Inborn genetic diseases. Identifiers: MedGen C0950123, MeSH D030342.

Allele frequency attached by ClinVar (database versions not stated): TOPMed 0.00007; gnomAD 0.00010.
gnomAD v4.1: 95 of 1,613,332 alleles (0.0059%); highest among the groups gnomAD compares: East Asian, 0.036%; no homozygotes.

Submissions (4):

Labcorp Genetics (formerly Invitae), Labcorp
Classification: Likely benign for Autosomal recessive distal spinal muscular atrophy 1; Charcot-Marie-Tooth disease axonal type 2S. Last evaluated: 2025-08-11. Review status: criteria provided, single submitter. Criteria: Invitae Variant Classification Sherloc (09022015). Collection method: clinical testing. Allele origin: germline.

CeGaT Center for Human Genetics Tuebingen
Classification: Likely benign. Last evaluated: 2024-10-01. Review status: criteria provided, single submitter. Criteria: CeGaT Center For Human Genetics Tuebingen Variant Classification Criteria Version 2. Collection method: clinical testing. Allele origin: germline. Affected: yes. Observed: 1 variant allele.
Comment: IGHMBP2: BP4, BP7

Ambry Genetics
Classification: Likely benign for Inborn genetic diseases. Last evaluated: 2019-07-11. Review status: criteria provided, single submitter. Criteria: Ambry Variant Classification Scheme 2023. Collection method: clinical testing. Allele origin: germline.

Illumina Laboratory Services, Illumina
Classification: Uncertain significance for Autosomal recessive distal spinal muscular atrophy 1. Last evaluated: 2018-01-13. Review status: criteria provided, single submitter. Criteria: ICSL Variant Classification Criteria 13 December 2019. Collection method: clinical testing. Allele origin: germline.

NM_002180.3(IGHMBP2):c.2856C>T (p.Ala952=)

Gene: IGHMBP2 (immunoglobulin mu DNA binding protein 2; plus strand). Cytogenetic location: 11q13.3.
Variant type: single nucleotide variant.
Coding change: c.2856C>T on transcript NM_002180.3 (MANE Select); coding-DNA position 2856, C replaced by T.
Protein change: p.Ala952=; no amino-acid change (alanine 952 retained).
Molecular consequence: synonymous variant.
Genome position (GRCh38, 1-based): chr11:68,939,605, C>T. VCF-style: chr11-68939605-C-T. GRCh37 (hg19) VCF-style: chr11-68707073-C-T.
Identifiers: ClinVar variation 305863 (VCV000305863.29), dbSNP rs759627672, ClinGen allele CA6154042.